The following is an entry in ClinVar:

NM_001271.4(CHD2):c.1453C>T (p.Arg485Ter)

Gene: CHD2 (chromodomain helicase DNA binding protein 2; plus strand). Cytogenetic location: 15q26.1.
Variant type: single nucleotide variant.
Coding change: c.1453C>T on transcript NM_001271.4 (MANE Select); coding-DNA position 1453, C replaced by T.
Protein change: p.Arg485Ter; replaces arginine 485 with a stop codon.
Molecular consequence: nonsense.
Genome position (GRCh38, 1-based): chr15:92,949,027, C>T. VCF-style: chr15-92949027-C-T. GRCh37 (hg19) VCF-style: chr15-93492257-C-T.
Other names: c.1453C>T, p.Arg485Ter (NM_001042572.3); short protein forms R485*.
Identifiers: ClinVar variation 620511 (VCV000620511.8), dbSNP rs1567138301, ClinGen allele CA393904268.

ClinVar aggregate classification (germline): Pathogenic. Review status: criteria provided, multiple submitters, no conflicts (2 of 4 stars). 2 submissions from 2 submitters: Pathogenic (2). Last evaluated 2024-11-25.

Conditions:
Developmental and epileptic encephalopathy 94 (DEE94). Also called: Epileptic encephalopathy, childhood-onset; CHD2-Related Neurodevelopmental Disorders. Identifiers: Orphanet 1942, Orphanet 2382, MedGen C3809278, MONDO:0014150, OMIM 615369.

Submissions (2):

GeneDx
Classification: Pathogenic. Last evaluated: 2024-11-25. Review status: criteria provided, single submitter. Criteria: GeneDx Variant Classification Process June 2021. Collection method: clinical testing. Allele origin: germline. Affected: yes.
Comment: Reported in a patient with seizures, mild intellectual disability, and autism spectrum disorder in published literature (PMID: 39180515); Nonsense variant predicted to result in protein truncation or nonsense mediated decay in a gene for which loss of function is a known mechanism of disease; Not observed at significant frequency in large population cohorts (gnomAD); This variant is associated with the following publications: (PMID: 29455050, 39180515)

Labcorp Genetics (formerly Invitae), Labcorp
Classification: Pathogenic for Developmental and epileptic encephalopathy 94. Last evaluated: 2022-02-19. Review status: criteria provided, single submitter. Criteria: Invitae Variant Classification Sherloc (09022015). Collection method: clinical testing. Allele origin: germline.
Comment: For these reasons, this variant has been classified as Pathogenic. Algorithms developed to predict the effect of sequence changes on RNA splicing suggest that this variant may disrupt the consensus splice site. ClinVar contains an entry for this variant (Variation ID: 620511). This variant has not been reported in the literature in individuals affected with CHD2-related conditions. This variant is not present in population databases (gnomAD no frequency). This sequence change creates a premature translational stop signal (p.Arg485*) in the CHD2 gene. It is expected to result in an absent or disrupted protein product. Loss-of-function variants in CHD2 are known to be pathogenic (PMID: 23708187, 24207121).

Literature cited by the submitters: PubMed 23708187 (cited by Labcorp Genetics (formerly Invitae), Labcorp); PubMed 24207121 (cited by Labcorp Genetics (formerly Invitae), Labcorp).